The following is an entry in ClinVar:

NM_013336.4(SEC61A1):c.1214G>A (p.Arg405Gln)

Genes: RUVBL1 (RuvB like AAA ATPase 1; minus strand), SEC61A1 (SEC61 translocon subunit alpha 1; plus strand). Cytogenetic location: 3q21.3.
Variant type: single nucleotide variant.
Coding change: c.1214G>A on transcript NM_013336.4 (MANE Select); coding-DNA position 1214, G replaced by A.
Protein change: p.Arg405Gln; replaces arginine 405 with glutamine.
Molecular consequence: missense variant. On other transcripts: intron variant (1).
Genome position (GRCh38, 1-based): chr3:128,068,029, G>A. VCF-style: chr3-128068029-G-A. GRCh37 (hg19) VCF-style: chr3-127786872-G-A.
Other names: c.1232G>A, p.Arg411Gln (NM_001400328.1); c.1055G>A, p.Arg352Gln (NM_001400329.1); c.940-2809C>T (NM_001319086.1); short protein forms R352Q, R405Q, R411Q.
Identifiers: ClinVar variation 3612264 (VCV003612264.2).

ClinVar aggregate classification (germline): Uncertain significance (1 of 4 stars; one submission).

gnomAD v4.1: 2 of 1,613,754 alleles (0.00012%); highest among the groups gnomAD compares: Non-Finnish European, 0.00017%; no homozygotes.

Submission:

Labcorp Genetics (formerly Invitae), Labcorp
Classification: Uncertain significance. Last evaluated: 2024-03-28. Review status: criteria provided, single submitter. Criteria: Invitae Variant Classification Sherloc (09022015). Collection method: clinical testing. Allele origin: germline.
Comment: This sequence change replaces arginine, which is basic and polar, with glutamine, which is neutral and polar, at codon 405 of the SEC61A1 protein (p.Arg405Gln). This variant is not present in population databases (gnomAD no frequency). This variant has not been reported in the literature in individuals affected with SEC61A1-related conditions. Advanced modeling of protein sequence and biophysical properties (such as structural, functional, and spatial information, amino acid conservation, physicochemical variation, residue mobility, and thermodynamic stability) performed at Invitae indicates that this missense variant is expected to disrupt SEC61A1 protein function with a positive predictive value of 80%. In summary, the available evidence is currently insufficient to determine the role of this variant in disease. Therefore, it has been classified as a Variant of Uncertain Significance.